The following is an entry in ClinVar:

NM_000355.4(TCN2):c.1075C>T (p.Leu359=)

Gene: TCN2 (transcobalamin 2; plus strand). Cytogenetic location: 22q12.2.
Variant type: single nucleotide variant.
Coding change: c.1075C>T on transcript NM_000355.4 (MANE Select); coding-DNA position 1075, C replaced by T.
Protein change: p.Leu359=; no amino-acid change (leucine 359 retained).
Molecular consequence: synonymous variant.
Genome position (GRCh38, 1-based): chr22:30,617,464, C>T. VCF-style: chr22-30617464-C-T. GRCh37 (hg19) VCF-style: chr22-31013451-C-T.
Other names: c.994C>T, p.Leu332= (NM_001184726.2).
Identifiers: ClinVar variation 2998905 (VCV002998905.20), dbSNP rs769116695, ClinGen allele CA10184954.

ClinVar aggregate classification (germline): Likely benign. Review status: criteria provided, multiple submitters, no conflicts (2 of 4 stars). 2 submissions from 2 submitters: Likely benign (2). Last evaluated 2024-07-01.

Conditions:
Transcobalamin II deficiency (TCN2D). Also called: Transcolabamin II deficiency; TC II DEFICIENCY; TCN2 DEFICIENCY. Identifiers: Orphanet 859, MedGen C0342701, MONDO:0010149, OMIM 275350.

Allele frequency attached by ClinVar (database versions not stated): gnomAD exomes below 0.00001; TOPMed below 0.00001; ExAC 0.00002.
gnomAD v4.1: 3 of 1,614,178 alleles (0.00019%); highest among the groups gnomAD compares: East Asian, 0.0045%; no homozygotes.

Submissions (2):

CeGaT Center for Human Genetics Tuebingen
Classification: Likely benign. Last evaluated: 2024-07-01. Review status: criteria provided, single submitter. Criteria: CeGaT Center For Human Genetics Tuebingen Variant Classification Criteria Version 2. Collection method: clinical testing. Allele origin: germline. Affected: yes. Observed: 1 variant allele.
Comment: TCN2: BP4, BP7

Labcorp Genetics (formerly Invitae), Labcorp
Classification: Likely benign for Transcobalamin II deficiency. Last evaluated: 2024-02-07. Review status: criteria provided, single submitter. Criteria: Invitae Variant Classification Sherloc (09022015). Collection method: clinical testing. Allele origin: germline.